The following is an entry in ClinVar:

NM_006734.4(HIVEP2):c.2827C>T (p.Arg943Ter)

Gene: HIVEP2 (HIVEP zinc finger 2; minus strand). Cytogenetic location: 6q24.2.
Variant type: single nucleotide variant.
Coding change: c.2827C>T on transcript NM_006734.4 (MANE Select); coding-DNA position 2827, C replaced by T.
Protein change: p.Arg943Ter; replaces arginine 943 with a stop codon.
Molecular consequence: nonsense.
Genome position (GRCh38, 1-based): chr6:142,771,912, G>A on the plus strand (C>T on the coding strand, the complement: HIVEP2 is on the minus strand). VCF-style: chr6-142771912-G-A. GRCh37 (hg19) VCF-style: chr6-143093049-G-A.
Other names: short protein forms R943*.
Identifiers: ClinVar variation 224791 (VCV000224791.70), dbSNP rs869312841, ClinGen allele CA358404.

ClinVar aggregate classification (germline): Pathogenic. Review status: criteria provided, multiple submitters, no conflicts (2 of 4 stars). 18 submissions from 18 submitters: Pathogenic (15). 3 of the submissions do not count toward it. Last evaluated 2026-01-31.

Conditions:
HIVEP2-related disorder. Also called: HIVEP2-related condition.
Intellectual developmental disorder, autosomal dominant 43. Also called: Intellectual disability, autosomal dominant 43. Identifiers: MedGen C4707429, MONDO:0014858, OMIM 616977.
Inborn genetic diseases. Identifiers: MedGen C0950123, MeSH D030342.
Intellectual disability. Also called: Intellectual functioning disability; intellectual disabilities; Intellectual developmental disorder. Identifiers: MedGen C3714756, MeSH D008607, MONDO:0001071, HP:0001249.

Submissions (18):

Dasa
Classification: Pathogenic. Last evaluated: 2026-01-31. Review status: criteria provided, single submitter. Criteria: DASA Assertion Criteria. Collection method: clinical testing. Allele origin: germline.
Comment: NM_006734.4(HIVEP2):c.2827C>T (p.Arg943*) introduces a premature termination codon predicted to result in loss of normal protein function. Loss-of-function is an established mechanism of disease for this gene. De novo occurrence has been reported in an individual with related phenotype. This variant has been recurrently observed in individuals with related phenotype (PMID: 36588750; PMID: 26153216). The variant is present at low frequency in population datasets. Based on the available data, this variant is classified as pathogenic.

Ambry Genetics
Classification: Pathogenic for Inborn genetic diseases. Last evaluated: 2025-09-29. Review status: criteria provided, single submitter. Criteria: Ambry Variant Classification Scheme 2023. Collection method: clinical testing. Allele origin: germline.
Comment: The c.2827C>T (p.R943*) alteration, located in exon 5 (coding exon 1) of the HIVEP2 gene, consists of a C to T substitution at nucleotide position 2827. This changes the amino acid from an arginine (R) to a stop codon at amino acid position 943. This alteration is expected to result in loss of function by premature protein truncation or nonsense-mediated mRNA decay. This variant was not reported in population-based cohorts in the Genome Aggregation Database (gnomAD). This variant was determined to be de novo in at least one individual with features consistent with HIVEP2-related neurodevelopmental disorder (Srivastava, 2016; Miyamoto, 2021; Mo, 2022; Quental, 2022). Based on the available evidence, this alteration is classified as pathogenic.

Institute of Medical Genetics and Applied Genomics, University Hospital Tübingen
Classification: Pathogenic for Intellectual developmental disorder, autosomal dominant 43. Last evaluated: 2025-09-11. Review status: criteria provided, single submitter. Criteria: ACMG Guidelines, 2015. Collection method: clinical testing. Allele origin: germline. Inheritance: Autosomal dominant inheritance. Affected: yes.

Center of Human Genetics, Hôpital Erasme
Classification: Pathogenic for Intellectual developmental disorder, autosomal dominant 43. Last evaluated: 2025-01-01. Review status: criteria provided, single submitter. Criteria: ACMG Guidelines, 2015. Collection method: clinical testing. Allele origin: de novo. Affected: yes.

3billion
Classification: Pathogenic for Intellectual developmental disorder, autosomal dominant 43. Last evaluated: 2024-11-26. Review status: criteria provided, single submitter. Criteria: ACMG Guidelines, 2015. Collection method: clinical testing. Allele origin: germline. Affected: yes.
Comment: The variant is not observed in the gnomAD v4.1.0 dataset. Predicted Consequence/Location: Stop-gained (nonsense): predicted to result in a loss or disruption of normal protein function through nonsense-mediated decay (NMD) or protein truncation. Multiple pathogenic variants are reported downstream of the variant. Damaging effect on gene or gene product predicted by in silico programs is uncertain [3Cnet: 0.96 (damaging >=0.6, benign <0.15)]. The variant has been reported at least twice as pathogenic with clinical assertions and evidence for the classification (ClinVar ID: VCV000224791 /PMID: 26153216 /3billion dataset). Therefore, this variant is classified as Pathogenic according to the recommendation of ACMG/AMP guideline.

Dubai Health Genomic Medicine Center, Dubai Health
Classification: Pathogenic for Intellectual developmental disorder. Last evaluated: 2024-10-04. Review status: criteria provided, single submitter. Criteria: ACMG Guidelines, 2015. Collection method: research. Allele origin: germline. Affected: yes.
Comment: PVS1,PS2_VeryStrong,PM2,PP4

Women's Health and Genetics/Laboratory Corporation of America, LabCorp
Classification: Pathogenic for Intellectual developmental disorder, autosomal dominant 43. Last evaluated: 2023-10-16. Review status: criteria provided, single submitter. Criteria: LabCorp Variant Classification Summary - May 2015. Collection method: clinical testing. Allele origin: germline.
Comment: Variant summary: HIVEP2 c.2827C>T (p.Arg943X) results in a premature termination codon, predicted to cause absence of the protein due to nonsense mediated decay, a commonly known mechanism for disease. The variant was absent in 249538 control chromosomes (gnomAD). c.2827C>T has been reported in the literature in at least one individual affected with Intellectual Disability, Autosomal Dominant 43, where it was found to be de novo (e.g. Quental_2022). These data suggest the variant is likely to be associated with disease. The following publication has been ascertained in the context of this evaluation (PMID: 36588750). Ten submitters have cited clinical-significance assessments for this variant to ClinVar after 2014. All submitters classified the variant as pathogenic. Based on the evidence outlined above, the variant was classified as pathogenic.

Revvity Omics, Revvity
Classification: Pathogenic for Intellectual developmental disorder, autosomal dominant 43. Last evaluated: 2023-05-10. Review status: criteria provided, single submitter. Criteria: ACMG Guidelines, 2015. Collection method: clinical testing. Allele origin: germline.

Blueprint Genetics
Classification: Pathogenic for HIVEP2-related disorders. Last evaluated: 2023-03-10. Review status: criteria provided, single submitter. Criteria: ACMG Guidelines, 2015. Collection method: clinical testing. Allele origin: de novo. Affected: yes. Observed: 1 variant allele.

Labcorp Genetics (formerly Invitae), Labcorp
Classification: Pathogenic. Last evaluated: 2022-05-22. Review status: criteria provided, single submitter. Criteria: Invitae Variant Classification Sherloc (09022015). Collection method: clinical testing. Allele origin: germline.
Comment: ClinVar contains an entry for this variant (Variation ID: 224791). This premature translational stop signal has been observed in individual(s) with intellectual disability (PMID: 26153216). In at least one individual the variant was observed to be de novo. This variant is not present in population databases (gnomAD no frequency). This sequence change creates a premature translational stop signal (p.Arg943*) in the HIVEP2 gene. It is expected to result in an absent or disrupted protein product. Loss-of-function variants in HIVEP2 are known to be pathogenic (PMID: 27003583). For these reasons, this variant has been classified as Pathogenic.

MGZ Medical Genetics Center
Classification: Pathogenic for Intellectual developmental disorder, autosomal dominant 43. Last evaluated: 2021-11-11. Review status: criteria provided, single submitter. Criteria: ACMG Guidelines, 2015. Collection method: clinical testing. Allele origin: germline. Affected: yes. Observed: 1 variant allele.
Comment: ACMG criteria applied: PVS1, PS2, PS4_MOD, PM2_SUP

GeneDx
Classification: Pathogenic. Last evaluated: 2021-10-29. Review status: criteria provided, single submitter. Criteria: GeneDx Variant Classification Process June 2021. Collection method: clinical testing. Allele origin: germline. Affected: yes.
Comment: Nonsense variant predicted to result in protein truncation or nonsense mediated decay in a gene for which loss-of-function is a known mechanism of disease; Not observed in large population cohorts (Lek et al., 2016); This variant is associated with the following publications: (PMID: 26153216)

CeGaT Center for Human Genetics Tuebingen
Classification: Pathogenic. Last evaluated: 2019-05-01. Review status: criteria provided, single submitter. Criteria: CeGaT Center For Human Genetics Tuebingen Variant Classification Criteria Version 2. Collection method: clinical testing. Allele origin: germline. Affected: yes. Observed: 1 variant allele.

Equipe Genetique des Anomalies du Developpement, Université de Bourgogne
Classification: Pathogenic for Intellectual developmental disorder, autosomal dominant 43. Last evaluated: 2016-04-06. Review status: criteria provided, single submitter. Criteria: ACMG Guidelines, 2015. Collection method: clinical testing. Allele origin: de novo. Affected: yes. Study: Clinvar_gadteam_Clinical_exome_analysis_3.

Juno Genomics, Hangzhou Juno Genomics, Inc
Classification: Pathogenic for Intellectual developmental disorder, autosomal dominant 43. Review status: criteria provided, single submitter. Criteria: ACMG Guidelines, 2015. Collection method: clinical testing. Allele origin: germline. Affected: yes.
Comment: Null variant in a gene where loss of function (LOF) is a known mechanism of disease.;Absent from controls (or at extremely low frequency if recessive) in Genome Aggregation Database, Exome Sequencing Project, 1000 Genomes Project, or Exome Aggregation Consortium.;The prevalence of the variant in affected individuals is significantly increased compared to the prevalence in controls.;De novo (both maternity and paternity confirmed) in a patient with the disease and no family history.

Solve-RD Consortium
Classification: Likely pathogenic for Intellectual developmental disorder, autosomal dominant 43. Last evaluated: 2022-06-01. Review status: no assertion criteria provided. Collection method: provider interpretation. Allele origin: inherited. Affected: yes. Not counted in ClinVar's aggregate classification.
Comment: Variant confirmed as disease-causing by referring clinical team

Variant identified during reanalysis of unsolved cases by the Solve-RD project. The Solve-RD project has received funding from the European Union’s Horizon 2020 research and innovation programme under grant agreement No 779257.

OMIM
Classification: Pathogenic for INTELLECTUAL DEVELOPMENTAL DISORDER, AUTOSOMAL DOMINANT 43. Last evaluated: 2022-04-20. Review status: no assertion criteria provided. Collection method: literature only. Allele origin: germline. Not counted in ClinVar's aggregate classification.

Molecular Genetics laboratory, Necker Hospital
Classification: Pathogenic. Last evaluated: 2019-01-29. Review status: no assertion criteria provided. Collection method: clinical testing. Allele origin: de novo. Affected: yes. Not counted in ClinVar's aggregate classification.

Literature cited by the submitters: PubMed 36588750 (cited by 3 submitters); PubMed 26153216 (cited by 5 submitters); PubMed 33958710 (cited by Ambry Genetics); PubMed 34704275 (cited by Ambry Genetics); PubMed 27003583 (cited by Labcorp Genetics (formerly Invitae), Labcorp); PubMed 39825153 (cited by Solve-RD Consortium).